The following is an entry in ClinVar:

NM_020937.4(FANCM):c.523T>C (p.Ser175Pro)

Gene: FANCM (FA complementation group M; plus strand). Cytogenetic location: 14q21.2.
Variant type: single nucleotide variant.
Coding change: c.523T>C on transcript NM_020937.4 (MANE Select); coding-DNA position 523, T replaced by C.
Protein change: p.Ser175Pro; replaces serine 175 with proline.
Molecular consequence: missense variant.
Genome position (GRCh38, 1-based): chr14:45,137,083, T>C. VCF-style: chr14-45137083-T-C. GRCh37 (hg19) VCF-style: chr14-45606286-T-C.
Other names: c.523T>C, p.Ser175Pro (NM_001308133.2, NM_001308134.2); short protein forms S175P.
Identifiers: ClinVar variation 414846 (VCV000414846.18), dbSNP rs779858649, ClinGen allele CA7168795.
Genomic context (GRCh38, chr14:45,137,083, plus strand): 5'-ATAACAGTCTGAAGTTTAGAATGTAGAATGTCACTTTTATTTTCAGGGTCTACACAAGCT[T>C]CCACCAGGAAGGAAATATGGTGCAGTAAGAGAGTGCTTTTTCTTACACCTCAGGTCATGG-3'
Protein context (NP_065988.1, residues 165-185): MAEMTGSTQA[Ser175Pro]TRKEIWCSKR

ClinVar aggregate classification (germline): Conflicting classifications of pathogenicity. Review status: criteria provided, conflicting classifications (1 of 4 stars). 4 submissions from 4 submitters: Uncertain significance (1); Likely benign (2). 1 of the submissions does not count toward it. Last evaluated 2026-01-04.

Conditions:
Spermatogenic failure 28. Identifiers: MedGen C4748117, MONDO:0054732, OMIM 618086.
FANCM-related disorder. Also called: FANCM-related condition.
Fanconi anemia (FA). Also called: Fanconi's anemia. Identifiers: Orphanet 84, MedGen C0015625, MeSH D005199, MONDO:0019391.

Allele frequency attached by ClinVar (database versions not stated): gnomAD 0.00005; gnomAD exomes 0.00009 and 0.00045; TOPMed 0.00019; ExAC 0.00042.

Submissions (4):

Labcorp Genetics (formerly Invitae), Labcorp
Classification: Likely benign for Fanconi anemia. Last evaluated: 2026-01-04. Review status: criteria provided, single submitter. Criteria: Invitae Variant Classification Sherloc (09022015). Collection method: clinical testing. Allele origin: germline.

Quest Diagnostics Nichols Institute San Juan Capistrano
Classification: Likely benign. Last evaluated: 2025-05-16. Review status: criteria provided, single submitter. Criteria: Quest Diagnostics criteria. Collection method: clinical testing. Allele origin: unknown.

Baylor Genetics
Classification: Uncertain significance for Spermatogenic failure 28. Last evaluated: 2020-12-07. Review status: criteria provided, single submitter. Criteria: ACMG Guidelines, 2015. Collection method: clinical testing. Allele origin: unknown. Affected: yes. Study: CSER-TexasKidsCanSeq.
Comment: This variant was determined to be of uncertain significance according to ACMG Guidelines, 2015 [PMID:25741868].

PreventionGenetics, part of Exact Sciences
Classification: Likely benign for FANCM-related condition. Last evaluated: 2022-12-13. Review status: no assertion criteria provided. Collection method: clinical testing. Allele origin: germline. Not counted in ClinVar's aggregate classification.
Comment: This variant is classified as likely benign based on ACMG/AMP sequence variant interpretation guidelines (Richards et al. 2015 PMID: 25741868, with internal and published modifications).

Literature cited by the submitters: PubMed 28678401 (cited by Quest Diagnostics Nichols Institute San Juan Capistrano).